The following is an entry in ClinVar:

NM_182914.3(SYNE2):c.3990G>A (p.Ala1330=)

Gene: SYNE2 (spectrin repeat containing nuclear envelope protein 2; plus strand). Cytogenetic location: 14q23.2.
Variant type: single nucleotide variant.
Coding change: c.3990G>A on transcript NM_182914.3 (MANE Select); coding-DNA position 3990, G replaced by A.
Protein change: p.Ala1330=; no amino-acid change (alanine 1330 retained).
Molecular consequence: synonymous variant.
Genome position (GRCh38, 1-based): chr14:64,002,923, G>A. VCF-style: chr14-64002923-G-A. GRCh37 (hg19) VCF-style: chr14-64469641-G-A.
Other names: c.3990G>A, p.Ala1330= (NM_015180.6).
Identifiers: ClinVar variation 538358 (VCV000538358.36), dbSNP rs374980509, ClinGen allele CA7220114.

ClinVar aggregate classification (germline): Benign/Likely benign. Review status: criteria provided, multiple submitters, no conflicts (2 of 4 stars). 3 submissions from 3 submitters: Benign (1); Likely benign (1). 1 of the submissions does not count toward it. Last evaluated 2026-02-01.

Conditions:
SYNE2-related disorder. Also called: SYNE2-related condition.
Emery-Dreifuss muscular dystrophy 5, autosomal dominant (EDMD5). Also called: EMERY-DREIFUSS MUSCULAR DYSTROPHY 5. Identifiers: Orphanet 261, MedGen C2751805, MONDO:0013072, OMIM 612999.

Allele frequency attached by ClinVar (database versions not stated): gnomAD exomes 0.00006 and 0.00017; ExAC 0.00020; ESP Exome Variant Server 0.00058; gnomAD 0.00060 and 0.00064; TOPMed 0.00080; 1000 Genomes Project 0.00100; 1000 Genomes Project 30x 0.00109.
gnomAD v4.1: 187 of 1,614,140 alleles (0.012%); highest among the groups gnomAD compares: African/African-American, 0.18%; 1 homozygote.

Submissions (3):

Labcorp Genetics (formerly Invitae), Labcorp
Classification: Benign for Emery-Dreifuss muscular dystrophy 5, autosomal dominant. Last evaluated: 2026-02-01. Review status: criteria provided, single submitter. Criteria: Invitae Variant Classification Sherloc (09022015). Collection method: clinical testing. Allele origin: germline.

CeGaT Center for Human Genetics Tuebingen
Classification: Likely benign. Last evaluated: 2023-03-01. Review status: criteria provided, single submitter. Criteria: CeGaT Center For Human Genetics Tuebingen Variant Classification Criteria Version 2. Collection method: clinical testing. Allele origin: germline. Affected: yes. Observed: 1 variant allele.
Comment: SYNE2: BP4, BP7

PreventionGenetics, part of Exact Sciences
Classification: Likely benign for SYNE2-related condition. Last evaluated: 2019-03-21. Review status: no assertion criteria provided. Collection method: clinical testing. Allele origin: germline. Not counted in ClinVar's aggregate classification.
Comment: This variant is classified as likely benign based on ACMG/AMP sequence variant interpretation guidelines (Richards et al. 2015 PMID: 25741868, with internal and published modifications).